The following is an entry in ClinVar:

NM_001077621.2(VPS37D):c.465C>T (p.Arg155=)

Gene: VPS37D (VPS37D subunit of ESCRT-I; plus strand). Cytogenetic location: 7q11.23.
Variant type: single nucleotide variant.
Coding change: c.465C>T on transcript NM_001077621.2 (MANE Select); coding-DNA position 465, C replaced by T.
Protein change: p.Arg155=; no amino-acid change (arginine 155 retained).
Molecular consequence: synonymous variant.
Genome position (GRCh38, 1-based): chr7:73,671,085, C>T. VCF-style: chr7-73671085-C-T. GRCh37 (hg19) VCF-style: chr7-73085415-C-T.
Identifiers: ClinVar variation 3898317 (VCV003898317.7).

ClinVar aggregate classification (germline): Likely benign (1 of 4 stars; one submission).

gnomAD v4.1: 214 of 1,611,216 alleles (0.013%); highest among the groups gnomAD compares: South Asian, 0.15%; 1 homozygote.

Submission:

CeGaT Center for Human Genetics Tuebingen
Classification: Likely benign. Last evaluated: 2025-04-01. Review status: criteria provided, single submitter. Criteria: CeGaT Center For Human Genetics Tuebingen Variant Classification Criteria Version 2. Collection method: clinical testing. Allele origin: germline. Affected: yes. Observed: 1 variant allele.
Comment: VPS37D: BP4, BP7